The following is an entry in ClinVar:

ClinVar aggregate classification (germline): Uncertain significance (1 of 4 stars; one submission).

Allele frequency attached by ClinVar (database versions not stated): TOPMed below 0.00001; gnomAD exomes 0.00001.
gnomAD v4.1: 19 of 1,614,026 alleles (0.0012%); highest among the groups gnomAD compares: East Asian, 0.0022%; no homozygotes.

Submission:

Labcorp Genetics (formerly Invitae), Labcorp
Classification: Uncertain significance. Last evaluated: 2024-10-23. Review status: criteria provided, single submitter. Criteria: Invitae Variant Classification Sherloc (09022015). Collection method: clinical testing. Allele origin: germline.
Comment: This sequence change replaces serine, which is neutral and polar, with glycine, which is neutral and non-polar, at codon 1035 of the ADGRA3 protein (p.Ser1035Gly). This variant is not present in population databases (gnomAD no frequency). This variant has not been reported in the literature in individuals affected with ADGRA3-related conditions. ClinVar contains an entry for this variant (Variation ID: 2126744). An algorithm developed to predict the effect of missense changes on protein structure and function (PolyPhen-2) suggests that this variant is likely to be tolerated. In summary, the available evidence is currently insufficient to determine the role of this variant in disease. Therefore, it has been classified as a Variant of Uncertain Significance.

NM_145290.4(ADGRA3):c.3103A>G (p.Ser1035Gly)

Gene: ADGRA3 (adhesion G protein-coupled receptor A3; minus strand). Cytogenetic location: 4p15.2.
Variant type: single nucleotide variant.
Coding change: c.3103A>G on transcript NM_145290.4 (MANE Select); coding-DNA position 3103, A replaced by G.
Protein change: p.Ser1035Gly; replaces serine 1035 with glycine.
Molecular consequence: missense variant.
Genome position (GRCh38, 1-based): chr4:22,388,568, T>C on the plus strand (A>G on the coding strand, the complement: ADGRA3 is on the minus strand). VCF-style: chr4-22388568-T-C. GRCh37 (hg19) VCF-style: chr4-22390191-T-C.
Other names: short protein forms S1035G.
Identifiers: ClinVar variation 2126744 (VCV002126744.4), dbSNP rs1713953334, ClinGen allele CA356473745.